The following is an entry in ClinVar:

ClinVar aggregate classification (germline): Uncertain significance (1 of 4 stars; one submission).

Submission:

Labcorp Genetics (formerly Invitae), Labcorp
Classification: Uncertain significance. Last evaluated: 2022-11-08. Review status: criteria provided, single submitter. Criteria: Invitae Variant Classification Sherloc (09022015). Collection method: clinical testing. Allele origin: germline.
Comment: In summary, the available evidence is currently insufficient to determine the role of this variant in disease. Therefore, it has been classified as a Variant of Uncertain Significance. Advanced modeling of protein sequence and biophysical properties (such as structural, functional, and spatial information, amino acid conservation, physicochemical variation, residue mobility, and thermodynamic stability) has been performed at Invitae for this missense variant, however the output from this modeling did not meet the statistical confidence thresholds required to predict the impact of this variant on AARS2 protein function. ClinVar contains an entry for this variant (Variation ID: 1481158). This variant has not been reported in the literature in individuals affected with AARS2-related conditions. This variant is not present in population databases (gnomAD no frequency). This sequence change replaces glycine, which is neutral and non-polar, with serine, which is neutral and polar, at codon 88 of the AARS2 protein (p.Gly88Ser).

NM_020745.4(AARS2):c.262G>A (p.Gly88Ser)

Gene: AARS2 (alanyl-tRNA synthetase 2, mitochondrial; minus strand). Cytogenetic location: 6p21.1.
Variant type: single nucleotide variant.
Coding change: c.262G>A on transcript NM_020745.4 (MANE Select); coding-DNA position 262, G replaced by A.
Protein change: p.Gly88Ser; replaces glycine 88 with serine.
Molecular consequence: missense variant.
Genome position (GRCh38, 1-based): chr6:44,312,245, C>T on the plus strand (G>A on the coding strand, the complement: AARS2 is on the minus strand). VCF-style: chr6-44312245-C-T. GRCh37 (hg19) VCF-style: chr6-44279982-C-T.
Other names: short protein forms G88S.
Identifiers: ClinVar variation 1481158 (VCV001481158.7), dbSNP rs2153357655, ClinGen allele CA364341836.